The following is an entry in ClinVar:

NM_014698.3(TMEM63A):c.2338A>G (p.Ile780Val)

Gene: TMEM63A (transmembrane protein 63A; minus strand). Cytogenetic location: 1q42.12.
Variant type: single nucleotide variant.
Coding change: c.2338A>G on transcript NM_014698.3 (MANE Select); coding-DNA position 2338, A replaced by G.
Protein change: p.Ile780Val; replaces isoleucine 780 with valine.
Molecular consequence: missense variant.
Genome position (GRCh38, 1-based): chr1:225,847,126, T>C on the plus strand (A>G on the coding strand, the complement: TMEM63A is on the minus strand). VCF-style: chr1-225847126-T-C. GRCh37 (hg19) VCF-style: chr1-226034827-T-C.
Other names: short protein forms I780V.
Identifiers: ClinVar variation 4983780 (VCV004983780.1).

ClinVar aggregate classification (germline): Uncertain significance (1 of 4 stars; one submission).

Conditions:
TMEM63A-related disorder. Also called: TMEM63A-related condition.

gnomAD v4.1: 1 of 1,613,680 alleles (0.000062%); highest among the groups gnomAD compares: East Asian, 0.0022%; no homozygotes.

Submission:

PreventionGenetics, part of Exact Sciences
Classification: Uncertain significance for TMEM63A-related condition. Last evaluated: 2025-07-28. Review status: criteria provided, single submitter. Criteria: ACMG Guidelines, 2015. Collection method: clinical testing. Allele origin: germline.
Comment: The TMEM63A c.2338A>G variant is predicted to result in the amino acid substitution p.Ile780Val. To our knowledge, this variant has not been reported in the literature or in a large population database (gnomAD), indicating this variant is rare. At this time, the clinical significance of this variant is uncertain due to the absence of conclusive functional and genetic evidence.